The following is an entry in ClinVar:

NM_000287.4(PEX6):c.317C>T (p.Ala106Val)

Gene: PEX6 (peroxisomal biogenesis factor 6; minus strand). Cytogenetic location: 6p21.1.
Variant type: single nucleotide variant.
Coding change: c.317C>T on transcript NM_000287.4 (MANE Select); coding-DNA position 317, C replaced by T.
Protein change: p.Ala106Val; replaces alanine 106 with valine.
Molecular consequence: missense variant. On other transcripts: non-coding transcript variant (1).
Genome position (GRCh38, 1-based): chr6:42,978,834, G>A on the plus strand (C>T on the coding strand, the complement: PEX6 is on the minus strand). VCF-style: chr6-42978834-G-A. GRCh37 (hg19) VCF-style: chr6-42946572-G-A.
Other names: c.317C>T, p.Ala106Val (NM_001316313.2); short protein forms A106V.
Identifiers: ClinVar variation 1970881 (VCV001970881.2), dbSNP rs2481281135, ClinGen allele CA364167174.

ClinVar aggregate classification (germline): Uncertain significance (1 of 4 stars; one submission).

Conditions:
Peroxisome biogenesis disorder. Identifiers: Orphanet 79189, MedGen C1832200, MONDO:0019234. Disease mechanism: loss of function.

Submission:

Labcorp Genetics (formerly Invitae), Labcorp
Classification: Uncertain significance for Peroxisome biogenesis disorder. Last evaluated: 2022-08-05. Review status: criteria provided, single submitter. Criteria: Invitae Variant Classification Sherloc (09022015). Collection method: clinical testing. Allele origin: germline.
Comment: This sequence change replaces alanine, which is neutral and non-polar, with valine, which is neutral and non-polar, at codon 106 of the PEX6 protein (p.Ala106Val). This variant is not present in population databases (gnomAD no frequency). This variant has not been reported in the literature in individuals affected with PEX6-related conditions. Algorithms developed to predict the effect of missense changes on protein structure and function are either unavailable or do not agree on the potential impact of this missense change (SIFT: "Deleterious"; PolyPhen-2: "Probably Damaging"; Align-GVGD: "Class C0"). In summary, the available evidence is currently insufficient to determine the role of this variant in disease. Therefore, it has been classified as a Variant of Uncertain Significance.